The following is an entry in ClinVar:

ClinVar aggregate classification (germline): Uncertain significance (0 of 4 stars; one submission).

Conditions:
CEP290-related disorder. Also called: CEP290-related condition; CEP290-related disorders. Identifiers: MedGen CN239314.

Submission:

PreventionGenetics, part of Exact Sciences
Classification: Uncertain significance for CEP290-related condition. Last evaluated: 2024-02-21. Review status: no assertion criteria provided. Collection method: clinical testing. Allele origin: germline.
Comment: The CEP290 c.5587G>A variant is predicted to result in the amino acid substitution p.Gly1863Ser. To our knowledge, this variant has not been reported in the literature or in a large population database, indicating this variant is rare. This variant is located at the first base of an exon but is not predicted to impact splicing, according to available splicing in silico algorithms (Alamut Visual v1.6.1). At this time, the clinical significance of this variant is uncertain due to the absence of conclusive functional and genetic evidence.

NM_025114.4(CEP290):c.5587G>A (p.Gly1863Ser)

Gene: CEP290 (centrosomal protein 290; minus strand). Cytogenetic location: 12q21.32.
Variant type: single nucleotide variant.
Coding change: c.5587G>A on transcript NM_025114.4 (MANE Select); coding-DNA position 5587, G replaced by A.
Protein change: p.Gly1863Ser; replaces glycine 1863 with serine.
Molecular consequence: missense variant.
Genome position (GRCh38, 1-based): chr12:88,077,344, C>T on the plus strand (G>A on the coding strand, the complement: CEP290 is on the minus strand). VCF-style: chr12-88077344-C-T. GRCh37 (hg19) VCF-style: chr12-88471121-C-T.
Other names: short protein forms G1863S.
Identifiers: ClinVar variation 3350162 (VCV003350162.1).
Genomic context (GRCh38, chr12:88,077,344, plus strand): 5'-TTTTAACTTTCCTTTGGAGTTCTTCAATTAGACTTTGTTTATTATCTGTCAGGGGTTTGC[C>T]CTAAAAAATAAAATGTAACTTTATATTTTTACAAATAAATGTAAAACAAAATAGACAGTA-3'
Protein context (NP_079390.3, residues 1853-1873): QIKRLTSGLQ[Gly1863Ser]KPLTDNKQSL